The following is an entry in ClinVar:

NC_000021.8:g.(?_36182049)_(36231885_?)del

Gene: RUNX1 (RUNX family transcription factor 1; minus strand). Cytogenetic location: 21q22.12.
Variant type: Deletion.
Identifiers: ClinVar variation 1457966 (VCV001457966.6).

ClinVar aggregate classification (germline): Pathogenic (1 of 4 stars; one submission).

Conditions:
Hereditary thrombocytopenia and hematological cancer predisposition syndrome associated with RUNX1. Also called: RUNX1 Familial Platelet Disorder with Associated Myeloid Malignancies; Familial Platelet Disorder with Propensity to Acute Myelogenous Leukemia; Familial thrombocytopenia with propensity to acute myelogenous leukemia; PLATELET DISORDER, ASPIRIN-LIKE. Identifiers: Orphanet 71290, MedGen C1832388, MeSH C563324, MONDO:0100083, OMIM 601399.

Submission:

Labcorp Genetics (formerly Invitae), Labcorp
Classification: Pathogenic for Hereditary thrombocytopenia and hematological cancer predisposition syndrome associated with RUNX1. Last evaluated: 2021-04-11. Review status: criteria provided, single submitter. Criteria: Invitae Variant Classification Sherloc (09022015). Collection method: clinical testing. Allele origin: germline.
Comment: For these reasons, this variant has been classified as Pathogenic. The region of the RUNX1 gene that includes exon(s) 6 has been determined to be clinically significant (PMID: 31309983, 19946261, 10508512, 21725049). Therefore, deletions that encompass that region are likely to disrupt protein function and cause disease. This variant has not been reported in the literature in individuals with RUNX1-related conditions. This variant is a gross deletion of the genomic region encompassing exon(s) 6-7 of the RUNX1 gene. This variant would be expected to be in-frame, preserving the integrity of the reading frame.

Literature cited by the submitters: PubMed 31309983; PubMed 19946261; PubMed 10508512; PubMed 21725049.